The following is an entry in ClinVar:

ClinVar aggregate classification (germline): Uncertain significance (1 of 4 stars; one submission).

Conditions:
Holoprosencephaly 5 (HPE5). Identifiers: Orphanet 2162, MedGen C1864827, MONDO:0012322, OMIM 609637.

Submission:

Labcorp Genetics (formerly Invitae), Labcorp
Classification: Uncertain significance for Holoprosencephaly 5. Last evaluated: 2021-12-04. Review status: criteria provided, single submitter. Criteria: Invitae Variant Classification Sherloc (09022015). Collection method: clinical testing. Allele origin: germline.
Comment: This sequence change affects the initiator methionine of the ZIC2 mRNA. The next in-frame methionine is located at codon 35. This variant is not present in population databases (gnomAD no frequency). This variant has not been reported in the literature in individuals affected with ZIC2-related conditions. Experimental studies and prediction algorithms are not available or were not evaluated, and the functional significance of this variant is currently unknown. In summary, the available evidence is currently insufficient to determine the role of this variant in disease. Therefore, it has been classified as a Variant of Uncertain Significance.

NM_007129.5(ZIC2):c.1A>T (p.Met1Leu)

Gene: ZIC2 (Zic family zinc finger 2; plus strand). Cytogenetic location: 13q32.3.
Variant type: single nucleotide variant.
Coding change: c.1A>T on transcript NM_007129.5 (MANE Select); coding-DNA position 1, A replaced by T.
Protein change: p.Met1Leu; changes the start codon (methionine 1).
Molecular consequence: missense variant, initiator codon variant.
Genome position (GRCh38, 1-based): chr13:99,982,065, A>T. VCF-style: chr13-99982065-A-T. GRCh37 (hg19) VCF-style: chr13-100634319-A-T.
Other names: short protein forms M1L.
Identifiers: ClinVar variation 1346003 (VCV001346003.6), dbSNP rs2152162142, ClinGen allele CA388636342.